The following is an entry in ClinVar:

ClinVar aggregate classification (germline): Conflicting classifications of pathogenicity. Review status: criteria provided, conflicting classifications (1 of 4 stars). 3 submissions from 3 submitters: Uncertain significance (1); Likely benign (2). Last evaluated 2026-04-06.

Conditions:
Amyotrophic lateral sclerosis (ALS). Also called: Lou Gehrig disease; Charcot disease. Identifiers: Orphanet 803, MedGen C0002736, MONDO:0004976, HP:0007354.

Allele frequency attached by ClinVar (database versions not stated): 1000 Genomes Project 30x 0.00031; 1000 Genomes Project 0.00040; ESP Exome Variant Server 0.00063; ExAC 0.00068; TOPMed 0.00093; gnomAD 0.00103; gnomAD exomes 0.00195.
gnomAD v4.1: 2,947 of 1,583,254 alleles (0.19%); highest among the groups gnomAD compares: Non-Finnish European, 0.23%; 4 homozygotes.

Submissions (3):

Women's Health and Genetics/Laboratory Corporation of America, LabCorp
Classification: Likely benign. Last evaluated: 2026-04-06. Review status: criteria provided, single submitter. Criteria: LabCorp Variant Classification Summary - May 2015. Collection method: clinical testing. Allele origin: germline.
Comment: Variant summary: ABCA7 c.302T>G (p.Leu101Arg) results in a non-conservative amino acid change in the encoded protein sequence. Algorithms developed to predict the effect of missense changes on protein structure and function are either unavailable or do not agree on the potential impact of this missense change. Consensus agreement among computation tools predict no significant impact on normal splicing. However, these predictions have yet to be confirmed by functional studies. The variant allele was found at a frequency of 0.0008 in 216986 control chromosomes, predominantly at a frequency of 0.0014 within the Non-Finnish European subpopulation in the gnomAD database. The observed variant frequency within Non-Finnish European control individuals in the gnomAD database exceeds the estimated maximal expected allele frequency for disease-causing variants in ABCA7. c.302T>G has been observed in individuals affected with early-onset Alzheimer Disease as well as unaffected controls (e.g. Le Guennec_2016, Lacour_2019, Bossaerts_2022). These reports do not provide unequivocal conclusions about association of the variant with Alzheimer Disease, Type 9. To our knowledge, no experimental evidence demonstrating an impact on protein function has been reported. The following publications have been ascertained in the context of this evaluation (PMID: 27037229, 31381512, 35361255). ClinVar contains an entry for this variant (Variation ID: 1810281). Based on the evidence outlined above, the variant was classified as likely benign.

Blueprint Genetics
Classification: Likely benign. Last evaluated: 2024-11-26. Review status: criteria provided, single submitter. Criteria: ACMG Guidelines, 2015. Collection method: clinical testing. Allele origin: germline.

Human Genetics Bochum, Ruhr University Bochum
Classification: Uncertain significance for Amyotrophic lateral sclerosis. Last evaluated: 2022-11-10. Review status: criteria provided, single submitter. Criteria: ACMG Guidelines, 2015. Collection method: clinical testing. Allele origin: germline. Affected: yes.
Comment: ACMG criteria used to clasify this variant: PS4_SUP, PM2_SUP, PP1_SUP, PP3_SUP

Literature cited by the submitters: PubMed 27037229 (cited by Women's Health and Genetics/Laboratory Corporation of America, LabCorp); PubMed 35361255 (cited by Women's Health and Genetics/Laboratory Corporation of America, LabCorp); PubMed 31381512 (cited by Women's Health and Genetics/Laboratory Corporation of America, LabCorp).

NM_019112.4(ABCA7):c.302T>G (p.Leu101Arg)

Gene: ABCA7 (ATP binding cassette subfamily A member 7; plus strand). Cytogenetic location: 19p13.3.
Variant type: single nucleotide variant.
Coding change: c.302T>G on transcript NM_019112.4 (MANE Select); coding-DNA position 302, T replaced by G.
Protein change: p.Leu101Arg; replaces leucine 101 with arginine.
Molecular consequence: missense variant.
Genome position (GRCh38, 1-based): chr19:1,041,972, T>G. VCF-style: chr19-1041972-T-G. GRCh37 (hg19) VCF-style: chr19-1041971-T-G.
Other names: short protein forms L101R.
Identifiers: ClinVar variation 1810281 (VCV001810281.3), dbSNP rs201665195, ClinGen allele CA9032484.
Genomic context (GRCh38, chr19:1,041,972, plus strand): 5'-GCTTTCCGCAGCTGACACCGGGCGAGGAGCCCGGGCGCCTGAGCAACTTCAACGACTCCC[T>G]GTGAGCCAGAGGCAGTGGGTGCGGCCGGCCTGCAAACTCGGGGCTGCAGTGCCGGCCGGA-3'
Protein context (NP_061985.2, residues 91-111): PGRLSNFNDS[Leu101Arg]VSRLLADART